The following is an entry in ClinVar:

NM_198576.4(AGRN):c.2500_2501delinsGA (p.Arg834Glu)

Gene: AGRN (agrin; plus strand). Cytogenetic location: 1p36.33.
Variant type: Indel.
Coding change: c.2500_2501delinsGA on transcript NM_198576.4 (MANE Select); coding-DNA positions 2500 to 2501, CG replaced by GA.
Protein change: p.Arg834Glu; replaces arginine 834 with glutamic acid.
Molecular consequence: missense variant.
Genome position (GRCh38, 1-based): chr1:1,045,487-1,045,488, CG replaced by GA. VCF-style: chr1-1045487-CG-GA. GRCh37 (hg19) VCF-style: chr1-980867-CG-GA.
Other names: c.2500_2501delinsGA, p.Arg834Glu (NM_001305275.2); c.2185_2186delinsGA, p.Arg729Glu (NM_001364727.2); short protein forms R834E, R729E.
Identifiers: ClinVar variation 1042163 (VCV001042163.22), dbSNP rs1645065370, ClinGen allele CA1148784661.
Genomic context (GRCh38, chr1:1,045,487, plus strand): 5'-TGCCGCCCAGGTGTGGGGGGCCTCAGGTGTGACCGCTGTGAGCCTGGCTTCTGGAACTTT[CG>GA]AGGCATCGTCACCGATGGCCGGAGTGGCTGTACACGTGAGTGACAGGGCCCAGGACTGGC-3'
Protein context (NP_940978.2, residues 824-844): DRCEPGFWNF[Arg834Glu]GIVTDGRSGC

ClinVar aggregate classification (germline): Uncertain significance (1 of 4 stars; one submission).

Conditions:
Congenital myasthenic syndrome 8. Also called: MYASTHENIC SYNDROME, CONGENITAL, DUE TO AGRIN DEFICIENCY; Myasthenic syndrome, congenital, 8, with pre- and postsynaptic defects. Identifiers: Orphanet 590, MedGen C3808739, MONDO:0014052, OMIM 615120.

Submission:

Labcorp Genetics (formerly Invitae), Labcorp
Classification: Uncertain significance for Congenital myasthenic syndrome 8. Last evaluated: 2022-08-15. Review status: criteria provided, single submitter. Criteria: Invitae Variant Classification Sherloc (09022015). Collection method: clinical testing. Allele origin: germline.
Comment: In summary, the available evidence is currently insufficient to determine the role of this variant in disease. Therefore, it has been classified as a Variant of Uncertain Significance. Algorithms developed to predict the effect of missense changes on protein structure and function are either unavailable or do not agree on the potential impact of this missense change (SIFT: "Not Available"; PolyPhen-2: "Benign"; Align-GVGD: "Not Available"). ClinVar contains an entry for this variant (Variation ID: 1042163). This variant has not been reported in the literature in individuals affected with AGRN-related conditions. Information on the frequency of this variant in the gnomAD database is not available, as this variant may be reported differently in the database. This sequence change replaces arginine, which is basic and polar, with glutamic acid, which is acidic and polar, at codon 834 of the AGRN protein (p.Arg834Glu).